The following is an entry in ClinVar:

ClinVar aggregate classification (germline): Uncertain significance. Review status: criteria provided, multiple submitters, no conflicts (2 of 4 stars). 2 submissions from 2 submitters: Uncertain significance (2). Last evaluated 2025-12-03.

Allele frequency attached by ClinVar (database versions not stated): gnomAD exomes 0.00001; gnomAD 0.00001; TOPMed below 0.00001.
gnomAD v4.1: 5 of 1,612,346 alleles (0.00031%); highest among the groups gnomAD compares: Non-Finnish European, 0.00042%; no homozygotes.

Submissions (2):

Labcorp Genetics (formerly Invitae), Labcorp
Classification: Uncertain significance. Last evaluated: 2025-12-03. Review status: criteria provided, single submitter. Criteria: Invitae Variant Classification Sherloc (09022015). Collection method: clinical testing. Allele origin: germline.
Comment: This sequence change replaces aspartic acid, which is acidic and polar, with glutamic acid, which is acidic and polar, at codon 343 of the MAP3K7 protein (p.Asp343Glu). This variant is present in population databases (no rsID available, gnomAD 0.0009%). This variant has not been reported in the literature in individuals affected with MAP3K7-related conditions. ClinVar contains an entry for this variant (Variation ID: 2503859). An algorithm developed to predict the effect of missense changes on protein structure and function (PolyPhen-2) suggests that this variant is likely to be tolerated. In summary, the available evidence is currently insufficient to determine the role of this variant in disease. Therefore, it has been classified as a Variant of Uncertain Significance.

Women's Health and Genetics/Laboratory Corporation of America, LabCorp
Classification: Uncertain significance. Last evaluated: 2023-04-20. Review status: criteria provided, single submitter. Criteria: LabCorp Variant Classification Summary - May 2015. Collection method: clinical testing. Allele origin: germline.
Comment: Variant summary: MAP3K7 c.1029T>G (p.Asp343Glu) results in a conservative amino acid change in the encoded protein sequence. Four of five in-silico tools predict a benign effect of the variant on protein function. The variant allele was found at a frequency of 4e-06 in 250528 control chromosomes. The available data on variant occurrences in the general population are insufficient to allow any conclusion about variant significance. To our knowledge, no occurrence of c.1029T>G in individuals affected with MAP3K7-Related Disorders and no experimental evidence demonstrating its impact on protein function have been reported. No clinical diagnostic laboratories have submitted clinical-significance assessments for this variant to ClinVar after 2014. Based on the evidence outlined above, the variant was classified as uncertain significance.

NM_145331.3(MAP3K7):c.1029T>G (p.Asp343Glu)

Gene: MAP3K7 (mitogen-activated protein kinase kinase kinase 7; minus strand). Cytogenetic location: 6q15.
Variant type: single nucleotide variant.
Coding change: c.1029T>G on transcript NM_145331.3 (MANE Select); coding-DNA position 1029, T replaced by G.
Protein change: p.Asp343Glu; replaces aspartic acid 343 with glutamic acid.
Molecular consequence: missense variant.
Genome position (GRCh38, 1-based): chr6:90,548,098, A>C on the plus strand (T>G on the coding strand, the complement: MAP3K7 is on the minus strand). VCF-style: chr6-90548098-A-C. GRCh37 (hg19) VCF-style: chr6-91257817-A-C.
Other names: c.1029T>G (NM_145331.2); c.1029T>G, p.Asp343Glu (NM_003188.4, NM_145332.3, NM_145333.3); short protein forms D343E.
Identifiers: ClinVar variation 2503859 (VCV002503859.3), dbSNP rs1476587917, ClinGen allele CA365010072.